The following is an entry in ClinVar:

NM_001112741.2(KCNC1):c.1383G>A (p.Pro461=)

Gene: KCNC1 (potassium voltage-gated channel subfamily C member 1; plus strand). Cytogenetic location: 11p15.1.
Variant type: single nucleotide variant.
Coding change: c.1383G>A on transcript NM_001112741.2 (MANE Select); coding-DNA position 1383, G replaced by A.
Protein change: p.Pro461=; no amino-acid change (proline 461 retained).
Molecular consequence: synonymous variant.
Genome position (GRCh38, 1-based): chr11:17,772,477, G>A. VCF-style: chr11-17772477-G-A. GRCh37 (hg19) VCF-style: chr11-17794024-G-A.
Other names: c.1383G>A, p.Pro461= (NM_004976.4); c.1383G>A (NM_001112741.1).
Identifiers: ClinVar variation 1639774 (VCV001639774.10), dbSNP rs200078349, ClinGen allele CA5906803.

ClinVar aggregate classification (germline): Likely benign. Review status: criteria provided, multiple submitters, no conflicts (2 of 4 stars). 3 submissions from 3 submitters: Likely benign (3). Last evaluated 2026-02-03.

Conditions:
KCNC1-related disorder. Also called: KCNC1-related condition; KCNC1-Related Disorders. Identifiers: MedGen CN381541.
Progressive myoclonic epilepsy type 7. Identifiers: Orphanet 435438, MedGen C4015420, MONDO:0014521, OMIM 616187.

Allele frequency attached by ClinVar (database versions not stated): ExAC 0.00004; gnomAD exomes 0.00004; ESP Exome Variant Server 0.00008; 1000 Genomes Project 30x 0.00016; 1000 Genomes Project 0.00020.
gnomAD v4.1: 62 of 1,614,184 alleles (0.0038%); highest among the groups gnomAD compares: Non-Finnish European, 0.0052%; no homozygotes.

Submissions (3):

Labcorp Genetics (formerly Invitae), Labcorp
Classification: Likely benign for Progressive myoclonic epilepsy type 7. Last evaluated: 2026-02-03. Review status: criteria provided, single submitter. Criteria: Invitae Variant Classification Sherloc (09022015). Collection method: clinical testing. Allele origin: germline.

PreventionGenetics, part of Exact Sciences
Classification: Likely benign for KCNC1-related condition. Last evaluated: 2024-12-13. Review status: criteria provided, single submitter. Criteria: ACMG Guidelines, 2015. Collection method: clinical testing. Allele origin: germline.
Comment: This variant is classified as likely benign based on ACMG/AMP sequence variant interpretation guidelines (Richards et al. 2015 PMID: 25741868, with internal and published modifications).

Blueprint Genetics
Classification: Likely benign. Last evaluated: 2024-07-19. Review status: criteria provided, single submitter. Criteria: ACMG Guidelines, 2015. Collection method: clinical testing. Allele origin: germline.